The following is an entry in ClinVar:

ClinVar aggregate classification (germline): Pathogenic (1 of 4 stars; one submission).

Submission:

Labcorp Genetics (formerly Invitae), Labcorp
Classification: Pathogenic. Last evaluated: 2023-11-06. Review status: criteria provided, single submitter. Criteria: Invitae Variant Classification Sherloc (09022015). Collection method: clinical testing. Allele origin: unknown.
Comment: This variant is a gross deletion of the genomic region encompassing exon(s) 3-35 of the FRAS1 gene. This deletion is out-of-frame, and is expected to create a premature termination codon and result in an absent or disrupted protein product. Loss-of-function variants in FRAS1 are known to be pathogenic (PMID: 12766769, 18671281). This variant has not been reported in the literature in individuals affected with FRAS1-related conditions. For these reasons, this variant has been classified as Pathogenic.

Literature cited by the submitters: PubMed 12766769; PubMed 18671281.

NC_000004.11:g.(?_79158644)_(79345594_?)del

Gene: FRAS1 (Fraser extracellular matrix complex subunit 1; plus strand). Cytogenetic location: 4q21.21.
Variant type: Deletion.
Identifiers: ClinVar variation 3246761 (VCV003246761.1).